The following is an entry in ClinVar:

ClinVar aggregate classification (germline): Likely pathogenic (1 of 4 stars; one submission).

Conditions:
Autosomal recessive nonsyndromic hearing loss 77. Identifiers: Orphanet 90636, MedGen C2746083, MONDO:0013119, OMIM 613079.

Submission:

Natera, Inc.
Classification: Likely pathogenic for Autosomal recessive deafness type 77. Last evaluated: 2024-09-03. Review status: criteria provided, single submitter. Criteria: Natera Variant Classification Schema (03/2026). Collection method: clinical testing. Allele origin: germline.
Comment: The c.4778del variant in LOXHD1 is a frameshift variant predicted to shift the reading frame beginning at codon 1593 and leads to a stop codon 9 codons downstream. This variant is expected to result in nonsense mediated decay, truncation, or a dysfunctional protein product. This variant is rare in the general population with a frequency below the threshold expected for the associated phenotype(s). Given the available evidence, this variant is classified as Likely Pathogenic.

NM_001384474.1(LOXHD1):c.4778del (p.Pro1593fs)

Gene: LOXHD1 (lipoxygenase homology PLAT domains 1; minus strand). Cytogenetic location: 18q21.1.
Variant type: Deletion.
Coding change: c.4778del on transcript NM_001384474.1 (MANE Select); coding-DNA position 4778, one base deleted (C; older notation c.4778delC).
Protein change: p.Pro1593fs; shifts the reading frame from proline 1593.
Molecular consequence: frameshift variant.
Genome position (GRCh38, 1-based): chr18:46,524,564, G deleted on the plus strand (C on the coding strand, the reverse complement: LOXHD1 is on the minus strand); the first of 3 consecutive G bases (chr18:46,524,564-46,524,566); deleting any one gives the same sequence. VCF-style (leftmost placement, unchanged base first): chr18-46524563-AG-A. GRCh37 (hg19) VCF-style: chr18-44104526-AG-A.
Other names: c.1445del, p.Pro482fs (NM_001145472.3); c.1157del, p.Pro386fs (NM_001308013.2); c.4778del, p.Pro1593fs (NM_144612.7); short protein forms P1593fs, P386fs, P482fs.
Identifiers: ClinVar variation 4816829 (VCV004816829.1).
Genomic context (GRCh38, chr18:46,524,563, plus strand): 5'-CACTGTGCTGATGTCGACATCGGCCATCTTGGAGCTCAGGGCGATCTCCCAGAAGTCAGC[AG>A]GGCTGCTGCAGTTGCTGCTGCGGTCCCCAGTGTACTCCTGTGTGGGAGAGCAGGACTGGC-3'